The following is an entry in ClinVar:

ClinVar aggregate classification (germline): Uncertain significance. Review status: criteria provided, single submitter (1 of 4 stars). 2 submissions from 2 submitters: Uncertain significance (1). 1 of the submissions does not count toward it. Last evaluated 2025-12-15.

Conditions:
LTBP3-related disorder. Also called: LTBP3-related condition.
Brachyolmia-amelogenesis imperfecta syndrome. Also called: PLATYSPONDYLY WITH AMELOGENESIS IMPERFECTA; Tooth agenesis, selective, 6; Dental anomalies and short stature. Identifiers: Orphanet 2899, MedGen C1832594, MONDO:0011018, OMIM 601216. Disease mechanism: loss of function.

gnomAD v4.1: 2 of 1,611,332 alleles (0.00012%); highest among the groups gnomAD compares: Admixed American, 0.0034%; no homozygotes.

Submissions (2):

Labcorp Genetics (formerly Invitae), Labcorp
Classification: Uncertain significance for Brachyolmia-amelogenesis imperfecta syndrome. Last evaluated: 2025-12-15. Review status: criteria provided, single submitter. Criteria: Invitae Variant Classification Sherloc (09022015). Collection method: clinical testing. Allele origin: germline.
Comment: This sequence change affects codon 992 of the LTBP3 mRNA. It is a 'silent' change, meaning that it does not change the encoded amino acid sequence of the LTBP3 protein. It affects a nucleotide within the consensus splice site. This variant is present in population databases (no rsID available, gnomAD 0.003%). This variant has not been reported in the literature in individuals affected with LTBP3-related conditions. ClinVar contains an entry for this variant (Variation ID: 3354306). Algorithms developed to predict the effect of sequence changes on RNA splicing suggest that this variant is not likely to affect RNA splicing. In summary, the available evidence is currently insufficient to determine the role of this variant in disease. Therefore, it has been classified as a Variant of Uncertain Significance.

PreventionGenetics, part of Exact Sciences
Classification: Likely benign for LTBP3-related condition. Last evaluated: 2024-08-23. Review status: no assertion criteria provided. Collection method: clinical testing. Allele origin: germline. Not counted in ClinVar's aggregate classification.
Comment: This variant is classified as likely benign based on ACMG/AMP sequence variant interpretation guidelines (Richards et al. 2015 PMID: 25741868, with internal and published modifications).

NM_001130144.3(LTBP3):c.2976T>C (p.Arg992=)

Genes: LTBP3 (latent transforming growth factor beta binding protein 3; minus strand), LOC121832793 (Sharpr-MPRA regulatory region 4001; plus strand). Cytogenetic location: 11q13.1.
Variant type: single nucleotide variant.
Coding change: c.2976T>C on transcript NM_001130144.3 (MANE Select); coding-DNA position 2976, T replaced by C.
Protein change: p.Arg992=; no amino-acid change (arginine 992 retained).
Molecular consequence: synonymous variant.
Genome position (GRCh38, 1-based): chr11:65,540,872, A>G on the plus strand (T>C on the coding strand, the complement: LTBP3 is on the minus strand). VCF-style: chr11-65540872-A-G. GRCh37 (hg19) VCF-style: chr11-65308343-A-G.
Other names: c.2625T>C, p.Arg875= (NM_001164266.1); c.2976T>C, p.Arg992= (NM_021070.4).
Identifiers: ClinVar variation 3354306 (VCV003354306.2).